The following is an entry in ClinVar:

ClinVar aggregate classification (germline): Likely pathogenic. Review status: criteria provided, multiple submitters, no conflicts (2 of 4 stars). 2 submissions from 2 submitters: Likely pathogenic (2). Last evaluated 2025-02-13.

Conditions:
Lynch syndrome 5 (LYNCH5). Also called: Colorectal cancer, hereditary nonpolyposis, type 5; Hereditary non-polyposis colorectal cancer, type 5. Identifiers: Orphanet 144, MedGen C1833477, MONDO:0013710, OMIM 614350. Disease mechanism: loss of function.
Hereditary cancer-predisposing syndrome. Also called: Hereditary neoplastic syndrome; Tumor predisposition; Hereditary Cancer Syndrome; Neoplastic Syndromes, Hereditary. Identifiers: Orphanet 140162, MedGen C0027672, MeSH D009386, MONDO:0015356.

Submissions (2):

Ambry Genetics
Classification: Likely pathogenic for Hereditary cancer-predisposing syndrome. Last evaluated: 2025-02-13. Review status: criteria provided, single submitter. Criteria: Ambry Variant Classification Scheme 2023. Collection method: clinical testing. Allele origin: germline.
Comment: The c.3802-15_3802del16insAAGCTAATAGCA variant results from a deletion of 16 nucleotides and insertion of 12 nucleotides at positions c.3802 to c.3802-15 and involves the canonical splice acceptor site before coding exon 9 of the MSH6 gene. The canonical splice acceptor site is highly conserved in available vertebrate species. In silico splice site analysis predicts that this alteration will weaken the native splice acceptor site. This variant is considered to be rare based on population cohorts in the Genome Aggregation Database (gnomAD). Alterations that disrupt the canonical splice site are expected to cause aberrant splicing, resulting in an abnormal protein or a transcript that is subject to nonsense-mediated mRNA decay. As such, this alteration is classified as likely pathogenic.

Myriad Genetics, Inc.
Classification: Likely pathogenic for Lynch syndrome 5. Last evaluated: 2023-06-22. Review status: criteria provided, single submitter. Criteria: Myriad Autosomal Dominant, Autosomal Recessive and X-Linked Classification Criteria (2023). Collection method: clinical testing. Allele origin: unknown.
Comment: This variant is considered likely pathogenic. This variant occurs within a consensus splice junction and is predicted to result in abnormal mRNA splicing of either an out-of-frame exon or an in-frame exon necessary for protein stability and/or normal function.

NM_000179.3(MSH6):c.3802-15_3802delinsAAGCTAATAGCA

Gene: MSH6 (mutS homolog 6; plus strand). Cytogenetic location: 2p16.3.
Variant type: Indel.
Coding change: c.3802-15_3802delinsAAGCTAATAGCA on transcript NM_000179.3 (MANE Select); 15 bases into the intron before coding-DNA position 3802 through coding-DNA position 3802, TTTTTCTTTCTTAAGG replaced by AAGCTAATAGCA.
Molecular consequence: splice acceptor variant. On other transcripts: intron variant (2).
Genome position (GRCh38, 1-based): chr2:47,806,437-47,806,452, TTTTTCTTTCTTAAGG replaced by AAGCTAATAGCA. VCF-style: chr2-47806437-TTTTTCTTTCTTAAGG-AAGCTAATAGCA. GRCh37 (hg19) VCF-style: chr2-48033576-TTTTTCTTTCTTAAGG-AAGCTAATAGCA.
Other names: c.3802-15_3802del16insAAGCTAATAGCA (NM_000179.2); c.3802-15_3802delinsAAGCTAATAGCA (NM_001406809.1, NM_001406796.1, NM_001406808.1); c.2896-15_2896delinsAAGCTAATAGCA (NM_001406811.1, NM_001406814.1, NM_001281493.2 and 6 more transcripts); c.3505-15_3505delinsAAGCTAATAGCA (NM_001406805.1, NM_001406797.1, NM_001406801.1 and 10 more transcripts); c.3898-15_3898delinsAAGCTAATAGCA (NM_001406795.1); c.3897+79_3897+94delinsAAGCTAATAGCA (NM_001406802.1); c.3808-15_3808delinsAAGCTAATAGCA (NM_001406813.1); c.3277-15_3277delinsAAGCTAATAGCA (NM_001406807.1, NM_001406799.1, NM_001406806.1); and 10 more.
Identifiers: ClinVar variation 2583853 (VCV002583853.3), dbSNP rs2530853615, ClinGen allele CA2582342379.